The following is an entry in ClinVar:

ClinVar aggregate classification (germline): Uncertain significance. Review status: criteria provided, multiple submitters, no conflicts (2 of 4 stars). 2 submissions from 2 submitters: Uncertain significance (2). Last evaluated 2024-01-19.

Conditions:
Hereditary cancer-predisposing syndrome. Also called: Neoplastic Syndromes, Hereditary; Hereditary Cancer Syndrome; Hereditary neoplastic syndrome; Tumor predisposition. Identifiers: Orphanet 140162, MedGen C0027672, MeSH D009386, MONDO:0015356.
Familial cancer of breast. Also called: hereditary breast carcinoma; BREAST CANCER, FAMILIAL; Hereditary breast cancer. Identifiers: Orphanet 227535, MedGen C0346153, MONDO:0016419, OMIM 114480. Disease mechanism: loss of function.

Submissions (2):

Ambry Genetics
Classification: Uncertain significance for Hereditary cancer-predisposing syndrome. Last evaluated: 2024-01-19. Review status: criteria provided, single submitter. Criteria: Ambry Variant Classification Scheme 2023. Collection method: clinical testing. Allele origin: germline.
Comment: The p.D893H variant (also known as c.2677G>C), located in coding exon 7 of the PALB2 gene, results from a G to C substitution at nucleotide position 2677. The aspartic acid at codon 893 is replaced by histidine, an amino acid with similar properties. This amino acid position is conserved. In addition, this alteration is predicted to be tolerated by in silico analysis. Based on the available evidence, the clinical significance of this alteration remains unclear.

Labcorp Genetics (formerly Invitae), Labcorp
Classification: Uncertain significance for Familial cancer of breast. Last evaluated: 2022-03-05. Review status: criteria provided, single submitter. Criteria: Invitae Variant Classification Sherloc (09022015). Collection method: clinical testing. Allele origin: germline.
Comment: This sequence change replaces aspartic acid, which is acidic and polar, with histidine, which is basic and polar, at codon 893 of the PALB2 protein (p.Asp893His). This variant is not present in population databases (gnomAD no frequency). This variant has not been reported in the literature in individuals affected with PALB2-related conditions. Algorithms developed to predict the effect of missense changes on protein structure and function (SIFT, PolyPhen-2, Align-GVGD) all suggest that this variant is likely to be tolerated. Algorithms developed to predict the effect of sequence changes on RNA splicing suggest that this variant may disrupt the consensus splice site. In summary, the available evidence is currently insufficient to determine the role of this variant in disease. Therefore, it has been classified as a Variant of Uncertain Significance.

NM_024675.4(PALB2):c.2677G>C (p.Asp893His)

Gene: PALB2 (partner and localizer of BRCA2; minus strand). Cytogenetic location: 16p12.2.
Variant type: single nucleotide variant.
Coding change: c.2677G>C on transcript NM_024675.4 (MANE Select); coding-DNA position 2677, G replaced by C.
Protein change: p.Asp893His; replaces aspartic acid 893 with histidine.
Molecular consequence: missense variant.
Genome position (GRCh38, 1-based): chr16:23,626,307, C>G on the plus strand (G>C on the coding strand, the complement: PALB2 is on the minus strand). VCF-style: chr16-23626307-C-G. GRCh37 (hg19) VCF-style: chr16-23637628-C-G.
Other names: c.2617G>C, p.Asp873His (NM_001407296.1); c.2605G>C, p.Asp869His (NM_001407297.1); c.2677G>C, p.Asp893His (NM_001407299.1, NM_001407300.1, NM_001407301.1); c.1792G>C, p.Asp598His (NM_001407304.1, NM_001407305.1, NM_001407306.1 and 4 more transcripts); c.889G>C, p.Asp297His (NM_001407312.1, NM_001407313.1); c.211G>C, p.Asp71His (NM_001407314.1); short protein forms D297H, D869H, D598H, D71H, D873H, D893H.
Identifiers: ClinVar variation 2107067 (VCV002107067.5), dbSNP rs765077104, ClinGen allele CA395122023.